The following is an entry in ClinVar:

NM_001036.6(RYR3):c.6135-7A>T

Gene: RYR3 (ryanodine receptor 3; plus strand). Cytogenetic location: 15q14.
Variant type: single nucleotide variant.
Coding change: c.6135-7A>T on transcript NM_001036.6 (MANE Select); 7 bases into the intron before coding-DNA position 6135, A replaced by T.
Molecular consequence: intron variant.
Genome position (GRCh38, 1-based): chr15:33,697,875, A>T. VCF-style: chr15-33697875-A-T. GRCh37 (hg19) VCF-style: chr15-33990076-A-T.
Other names: c.6135-7A>T (NM_001243996.4).
Identifiers: ClinVar variation 4885883 (VCV004885883.2).

ClinVar aggregate classification (germline): Uncertain significance (1 of 4 stars; one submission).

Submission:

Dasa
Classification: Uncertain significance. Last evaluated: 2025-07-01. Review status: criteria provided, single submitter. Criteria: DASA Assertion Criteria. Collection method: clinical testing. Allele origin: germline.
Comment: NM_001036.6(RYR3):c.6135-7A>T is a splice-region variant. This variant is absent from population databases. Computational prediction algorithms are consistent with a benign effect. The currently available literature and clinical evidence are not sufficient to establish a definitive association between this variant and the reported condition. Therefore, this variant is classified as a variant of uncertain significance.